The following is an entry in ClinVar:

NM_004999.4(MYO6):c.3137+1G>A

Gene: MYO6 (myosin VI; plus strand). Cytogenetic location: 6q14.1.
Variant type: single nucleotide variant.
Coding change: c.3137+1G>A on transcript NM_004999.4 (MANE Select); the canonical splice donor site of the intron after coding-DNA position 3137, G replaced by A.
Molecular consequence: splice donor variant. On other transcripts: intron variant (3).
Genome position (GRCh38, 1-based): chr6:75,895,261, G>A. VCF-style: chr6-75895261-G-A. GRCh37 (hg19) VCF-style: chr6-76604978-G-A.
Other names: c.3164+1G>A (NM_001368865.1, NM_001368866.1, NM_001368137.1); c.3107+2571G>A (NM_001300899.2, NM_001368136.1); c.3092+2571G>A (NM_001368138.1).
Identifiers: ClinVar variation 1723638 (VCV001723638.10), dbSNP rs200713129, ClinGen allele CA3897596.

ClinVar aggregate classification (germline): Conflicting classifications of pathogenicity. Review status: criteria provided, conflicting classifications (1 of 4 stars). 3 submissions from 3 submitters: Likely pathogenic (1); Uncertain significance (2). Last evaluated 2026-08-25.

Conditions:
MYO6-related disorder. Also called: MYO6-related disorders; MYO6-related condition.

Allele frequency attached by ClinVar (database versions not stated): TOPMed 0.00011; ESP Exome Variant Server 0.00015; 1000 Genomes Project 30x 0.00016.
gnomAD v4.1: 64 of 1,604,426 alleles (0.004%); highest among the groups gnomAD compares: Admixed American, 0.018%; no homozygotes.

Submissions (7):

PreventionGenetics, part of Exact Sciences
Classification: Uncertain significance for MYO6-related condition. Last evaluated: 2026-08-25. Review status: criteria provided, single submitter. Criteria: ACMG Guidelines, 2015. Collection method: clinical testing. Allele origin: germline.
Comment: The MYO6 c.3137+1G>A variant is predicted to disrupt the GT donor site and interfere with normal splicing. To our knowledge, this variant has not been reported in the literature. The disruption of this splice donor site may lead to an exon skipping and result in an in-frame deletion of ten amino acids, however no mRNA studies are available to evaluate the actual effect of this variant. This variant is reported in 0.017% of alleles in individuals of Latino descent in gnomAD which may be too high for variant causative in autosomal dominant disorder. This variant is interpreted as uncertain and likely pathogenic in ClinVar (Variation ID 1723638). Although we suspect that this variant may be pathogenic, at this time, the clinical significance of this variant is uncertain due to the absence of conclusive functional and genetic evidence.

Labcorp Genetics (formerly Invitae), Labcorp
Classification: Likely pathogenic. Last evaluated: 2025-05-18. Review status: criteria provided, single submitter. Criteria: Invitae Variant Classification Sherloc (09022015). Collection method: clinical testing. Allele origin: germline.
Comment: This sequence change affects a donor splice site in intron 29 of the MYO6 gene. It is expected to disrupt RNA splicing. Variants that disrupt the donor or acceptor splice site typically lead to a loss of protein function (PMID: 16199547), and loss-of-function variants in MYO6 are known to be pathogenic (PMID: 12687499, 18348273, 23767834, 25999546, 30582396). This variant is present in population databases (rs200713129, gnomAD 0.02%). This variant has not been reported in the literature in individuals affected with MYO6-related conditions. ClinVar contains an entry for this variant (Variation ID: 1723638). Algorithms developed to predict the effect of sequence changes on RNA splicing suggest that this variant may disrupt the consensus splice site. In summary, the currently available evidence indicates that the variant is pathogenic, but additional data are needed to prove that conclusively. Therefore, this variant has been classified as Likely Pathogenic.

GeneDx
Classification: Uncertain significance. Last evaluated: 2022-10-27. Review status: criteria provided, single submitter. Criteria: GeneDx Variant Classification Process June 2021. Collection method: clinical testing. Allele origin: germline. Affected: yes.
Comment: Canonical splice site variant expected to result in aberrant splicing, although in the absence of functional evidence the actual effect of this sequence change is unknown.; Has not been previously published as pathogenic or benign to our knowledge

Dr. Peter K. Rogan Lab, Western University
No classification provided (evidence only). Condition: Papillary renal cell carcinoma type 1. Review status: no classification provided. Collection method: in vitro. Allele origin: not applicable. Functional consequence: retained intron. Not counted in ClinVar's aggregate classification.

Dr. Peter K. Rogan Lab, Western University
No classification provided (evidence only). Condition: Familial prostate cancer. Review status: no classification provided. Collection method: in vitro. Allele origin: not applicable. Functional consequence: skipped exon, retained intron. Not counted in ClinVar's aggregate classification.

Dr. Peter K. Rogan Lab, Western University
No classification provided (evidence only). Condition: Cervical cancer. Review status: no classification provided. Collection method: in vitro. Allele origin: not applicable. Functional consequence: retained intron. Not counted in ClinVar's aggregate classification.

Dr. Peter K. Rogan Lab, Western University
No classification provided (evidence only). Condition: Gastric cancer. Review status: no classification provided. Collection method: in vitro. Allele origin: not applicable. Functional consequence: retained intron. Not counted in ClinVar's aggregate classification.

Literature cited by the submitters: PubMed 16199547 (cited by Labcorp Genetics (formerly Invitae), Labcorp); PubMed 12687499 (cited by Labcorp Genetics (formerly Invitae), Labcorp); PubMed 18348273 (cited by Labcorp Genetics (formerly Invitae), Labcorp); PubMed 23767834 (cited by Labcorp Genetics (formerly Invitae), Labcorp); PubMed 25999546 (cited by Labcorp Genetics (formerly Invitae), Labcorp); PubMed 30582396 (cited by Labcorp Genetics (formerly Invitae), Labcorp).